The following is an entry in ClinVar:

NM_000051.4(ATM):c.7674_7686delinsA (p.Phe2558_Ala2562delinsLeu)

Genes: ATM (ATM serine/threonine kinase; plus strand), C11orf65 (chromosome 11 open reading frame 65; minus strand). Cytogenetic location: 11q22.3.
Variant type: Indel.
Coding change: c.7674_7686delinsA on transcript NM_000051.4 (MANE Select); coding-DNA positions 7674 to 7686, TATTATACTGGCC replaced by A.
Protein change: p.Phe2558_Ala2562delinsLeu.
Molecular consequence: inframe indel. On other transcripts: intron variant (2).
Genome position (GRCh38, 1-based): chr11:108,331,923-108,331,935, TATTATACTGGCC replaced by A. VCF-style: chr11-108331923-TATTATACTGGCC-A. GRCh37 (hg19) VCF-style: chr11-108202650-TATTATACTGGCC-A.
Other names: c.7674_7686delTATTATACTGGCCinsA, p.Phe2558_Ala2562delinsLeu (NM_000051.3); c.7674_7686delinsA, p.Phe2558_Ala2562delinsLeu (NM_001351834.2); c.641-22864_641-22852delinsT (NM_001330368.2); c.*38+3285_*38+3297delinsT (NM_001351110.2).
Identifiers: ClinVar variation 845481 (VCV000845481.10), dbSNP rs2086293945, ClinGen allele CA916080448.

ClinVar aggregate classification (germline): Uncertain significance (1 of 4 stars; one submission).

Conditions:
Ataxia-telangiectasia syndrome (AT). Also called: ATAXIA-TELANGIECTASIA, COMPLEMENTATION GROUP A; ATAXIA-TELANGIECTASIA, FRESNO VARIANT; Ataxia-telangiectasia; Ataxia-telangiectasia, complementation group D; AT, COMPLEMENTATION GROUP C; Ataxia-telangiectasia, complementation group E. Identifiers: Orphanet 100, MedGen C0004135, MONDO:0008840, OMIM 208900.

Submission:

Labcorp Genetics (formerly Invitae), Labcorp
Classification: Uncertain significance for Ataxia-telangiectasia syndrome. Last evaluated: 2021-07-22. Review status: criteria provided, single submitter. Criteria: Invitae Variant Classification Sherloc (09022015). Collection method: clinical testing. Allele origin: germline.
Comment: In summary, the available evidence is currently insufficient to determine the role of this variant in disease. Therefore, it has been classified as a Variant of Uncertain Significance. Experimental studies and prediction algorithms are not available or were not evaluated, and the functional significance of this variant is currently unknown. This variant has not been reported in the literature in individuals with ATM-related conditions. This variant is not present in population databases (ExAC no frequency). This variant, c.7674_7686delinsA, is a complex sequence change that results in the deletion of 5 and insertion of 1 amino acid(s) in the ATM protein (p.Phe2558_Ala2562delinsLeu).